The following is an entry in ClinVar:

NM_001201543.2(FAM161A):c.686G>A (p.Arg229Gln)

Gene: FAM161A (FAM161 centrosomal protein A; minus strand). Cytogenetic location: 2p15.
Variant type: single nucleotide variant.
Coding change: c.686G>A on transcript NM_001201543.2 (MANE Select); coding-DNA position 686, G replaced by A.
Protein change: p.Arg229Gln; replaces arginine 229 with glutamine.
Molecular consequence: missense variant. On other transcripts: non-coding transcript variant (1).
Genome position (GRCh38, 1-based): chr2:61,840,318, C>T on the plus strand (G>A on the coding strand, the complement: FAM161A is on the minus strand). VCF-style: chr2-61840318-C-T. GRCh37 (hg19) VCF-style: chr2-62067453-C-T.
Other names: c.686G>A, p.Arg229Gln (NM_032180.3); short protein forms R229Q.
Identifiers: ClinVar variation 849485 (VCV000849485.5), dbSNP rs746372822, ClinGen allele CA1679308.
Genomic context (GRCh38, chr2:61,840,318, plus strand): 5'-TGTTCTCTTATCATCATTTGAAAAGGCTCCGGTACTGTAATTGTGGGCACCCATTCTTTT[C>T]GTTTCTTCCTTCTTTTTTCAGCTGCATGGAAGCCAGTATCTTTACAGCGAATATAATCCT-3'
Protein context (NP_001188472.1, residues 219-239): FHAAEKRRKK[Arg229Gln]KEWVPTITVP

ClinVar aggregate classification (germline): Conflicting classifications of pathogenicity. Review status: criteria provided, conflicting classifications (1 of 4 stars). 4 submissions from 4 submitters: Uncertain significance (2); Likely benign (1). 1 of the submissions does not count toward it. Last evaluated 2024-06-13.

Conditions:
Retinitis pigmentosa 28 (RP28). Identifiers: Orphanet 791, MedGen C1419614, MONDO:0011630, OMIM 606068.
Inborn genetic diseases. Identifiers: MedGen C0950123, MeSH D030342.

Allele frequency attached by ClinVar (database versions not stated): ExAC 0.00005; TOPMed 0.00005; gnomAD 0.00006; gnomAD exomes 0.00003.
gnomAD v4.1: 39 of 1,613,890 alleles (0.0024%); highest among the groups gnomAD compares: East Asian, 0.011%; no homozygotes.

Submissions (4):

Ambry Genetics
Classification: Uncertain significance for Inborn genetic diseases. Last evaluated: 2024-06-13. Review status: criteria provided, single submitter. Criteria: Ambry Variant Classification Scheme 2023. Collection method: clinical testing. Allele origin: germline.

Blueprint Genetics
Classification: Likely benign. Last evaluated: 2022-09-06. Review status: criteria provided, single submitter. Criteria: ACMG Guidelines, 2015. Collection method: clinical testing. Allele origin: germline.

Labcorp Genetics (formerly Invitae), Labcorp
Classification: Uncertain significance. Last evaluated: 2022-08-01. Review status: criteria provided, single submitter. Criteria: Invitae Variant Classification Sherloc (09022015). Collection method: clinical testing. Allele origin: germline.
Comment: This sequence change replaces arginine, which is basic and polar, with glutamine, which is neutral and polar, at codon 229 of the FAM161A protein (p.Arg229Gln). This variant is present in population databases (rs746372822, gnomAD 0.04%). This variant has not been reported in the literature in individuals affected with FAM161A-related conditions. ClinVar contains an entry for this variant (Variation ID: 849485). Algorithms developed to predict the effect of missense changes on protein structure and function (SIFT, PolyPhen-2, Align-GVGD) all suggest that this variant is likely to be tolerated. In summary, the available evidence is currently insufficient to determine the role of this variant in disease. Therefore, it has been classified as a Variant of Uncertain Significance.

Natera, Inc.
Classification: Uncertain significance for Retinitis pigmentosa type 28. Last evaluated: 2020-01-24. Review status: no assertion criteria provided. Collection method: clinical testing. Allele origin: germline. Not counted in ClinVar's aggregate classification.